The following is an entry in ClinVar:

ClinVar aggregate classification (germline): Uncertain significance (1 of 4 stars; one submission).

Conditions:
Neurofibromatosis, type 2 (SWNV). Also called: BILATERAL ACOUSTIC NEUROFIBROMATOSIS; NF2-Related Schwannomatosis; SCHWANNOMATOSIS, VESTIBULAR. Identifiers: Orphanet 637, MedGen C0027832, MONDO:0007039, OMIM 101000. Disease mechanism: loss of function.

Submission:

Labcorp Genetics (formerly Invitae), Labcorp
Classification: Uncertain significance for Neurofibromatosis, type 2. Last evaluated: 2025-03-18. Review status: criteria provided, single submitter. Criteria: Invitae Variant Classification Sherloc (09022015). Collection method: clinical testing. Allele origin: germline.
Comment: This sequence change replaces alanine, which is neutral and non-polar, with valine, which is neutral and non-polar, at codon 323 of the NF2 protein (p.Ala323Val). This variant is present in population databases (no rsID available, gnomAD 0.003%). This variant has not been reported in the literature in individuals affected with NF2-related conditions. Invitae Evidence Modeling of protein sequence and biophysical properties (such as structural, functional, and spatial information, amino acid conservation, physicochemical variation, residue mobility, and thermodynamic stability) indicates that this missense variant is not expected to disrupt NF2 protein function with a negative predictive value of 80%. In summary, the available evidence is currently insufficient to determine the role of this variant in disease. Therefore, it has been classified as a Variant of Uncertain Significance.

NM_000268.4(NF2):c.968C>T (p.Ala323Val)

Gene: NF2 (NF2, moesin-ezrin-radixin like (MERLIN) tumor suppressor; plus strand). Cytogenetic location: 22q12.2.
Variant type: single nucleotide variant.
Coding change: c.968C>T on transcript NM_000268.4 (MANE Select); coding-DNA position 968, C replaced by T.
Protein change: p.Ala323Val; replaces alanine 323 with valine.
Molecular consequence: missense variant. On other transcripts: non-coding transcript variant (1), intron variant (1).
Genome position (GRCh38, 1-based): chr22:29,668,415, C>T. VCF-style: chr22-29668415-C-T. GRCh37 (hg19) VCF-style: chr22-30064404-C-T.
Other names: c.854C>T, p.Ala285Val (NM_001407053.1, NM_001407056.1); c.845C>T, p.Ala282Val (NM_001407054.1, NM_181829.3, NM_001407058.1); c.842C>T, p.Ala281Val (NM_001407055.1, NM_181828.3); c.833C>T, p.Ala278Val (NM_001407057.1, NM_001407059.1); c.719C>T, p.Ala240Val (NM_001407064.1, NM_181830.3, NM_181831.3 and 1 more transcripts); c.434C>T, p.Ala145Val (NM_001407065.1); c.968C>T, p.Ala323Val (NM_001407066.1, NM_016418.5, NM_181825.3 and 2 more transcripts); c.737C>T, p.Ala246Val (NM_001407067.1); and 2 more; short protein forms A237V, A240V, A285V, A281V, A278V, A323V, A145V, A246V.
Identifiers: ClinVar variation 4706472 (VCV004706472.1).